The following is an entry in ClinVar:

ClinVar aggregate classification (germline): Uncertain significance (1 of 4 stars; one submission).

Conditions:
Epilepsy, familial focal, with variable foci 3 (FFEVF3). Identifiers: MedGen C4310708, MONDO:0014925, OMIM 617118.

gnomAD v4.1: 4 of 1,597,528 alleles (0.00025%); highest among the groups gnomAD compares: East Asian, 0.0023%; no homozygotes.

Submission:

Labcorp Genetics (formerly Invitae), Labcorp
Classification: Uncertain significance for Epilepsy, familial focal, with variable foci 3. Last evaluated: 2022-02-08. Review status: criteria provided, single submitter. Criteria: Invitae Variant Classification Sherloc (09022015). Collection method: clinical testing. Allele origin: germline.
Comment: This sequence change replaces serine, which is neutral and polar, with arginine, which is basic and polar, at codon 549 of the NPRL3 protein (p.Ser549Arg). The frequency data for this variant in the population databases is considered unreliable, as metrics indicate poor data quality at this position in the gnomAD database. This variant has not been reported in the literature in individuals affected with NPRL3-related conditions. Experimental studies and prediction algorithms are not available or were not evaluated, and the functional significance of this variant is currently unknown. In summary, the available evidence is currently insufficient to determine the role of this variant in disease. Therefore, it has been classified as a Variant of Uncertain Significance.

NM_001077350.3(NPRL3):c.1647C>G (p.Ser549Arg)

Gene: NPRL3 (NPR3 like, GATOR1 complex subunit; minus strand). Cytogenetic location: 16p13.3.
Variant type: single nucleotide variant.
Coding change: c.1647C>G on transcript NM_001077350.3 (MANE Select); coding-DNA position 1647, C replaced by G.
Protein change: p.Ser549Arg; replaces serine 549 with arginine.
Molecular consequence: missense variant.
Genome position (GRCh38, 1-based): chr16:86,768, G>C on the plus strand (C>G on the coding strand, the complement: NPRL3 is on the minus strand). VCF-style: chr16-86768-G-C. GRCh37 (hg19) VCF-style: chr16-136767-G-C.
Other names: c.1110C>G, p.Ser370Arg (NM_001039476.3); c.1413C>G, p.Ser471Arg (NM_001243247.2); c.1572C>G, p.Ser524Arg (NM_001243248.2, NM_001243249.2); short protein forms S524R, S549R, S370R, S471R.
Identifiers: ClinVar variation 2094802 (VCV002094802.4), dbSNP rs1191944943, ClinGen allele CA394044409.